The following is an entry in ClinVar:

ClinVar aggregate classification (germline): Pathogenic (1 of 4 stars; one submission).

Submission:

Labcorp Genetics (formerly Invitae), Labcorp
Classification: Pathogenic. Last evaluated: 2024-10-22. Review status: criteria provided, single submitter. Criteria: Invitae Variant Classification Sherloc (09022015). Collection method: clinical testing. Allele origin: germline.
Comment: This sequence change creates a premature translational stop signal (p.Pro86Serfs*2) in the IMPG2 gene. It is expected to result in an absent or disrupted protein product. Loss-of-function variants in IMPG2 are known to be pathogenic (PMID: 20673862). This variant is not present in population databases (gnomAD no frequency). This variant has not been reported in the literature in individuals affected with IMPG2-related conditions. ClinVar contains an entry for this variant (Variation ID: 1406029). For these reasons, this variant has been classified as Pathogenic.

Literature cited by the submitters: PubMed 20673862.

NM_016247.4(IMPG2):c.255dup (p.Pro86fs)

Gene: IMPG2 (interphotoreceptor matrix proteoglycan 2; minus strand). Cytogenetic location: 3q12.3.
Variant type: Duplication.
Coding change: c.255dup on transcript NM_016247.4 (MANE Select); coding-DNA position 255, one base duplicated (T; older notation c.255dupT).
Protein change: p.Pro86fs; shifts the reading frame from proline 86.
Molecular consequence: frameshift variant.
Genome position (GRCh38, 1-based): chr3:101,319,663, A duplicated on the plus strand (T on the coding strand, the reverse complement: IMPG2 is on the minus strand); the first of 3 consecutive A bases (chr3:101,319,663-101,319,665); duplicating any one gives the same sequence. VCF-style (leftmost placement, unchanged base first): chr3-101319662-G-GA. GRCh37 (hg19) VCF-style: chr3-101038506-G-GA.
Other names: short protein forms P86fs.
Identifiers: ClinVar variation 1406029 (VCV001406029.6), dbSNP rs2107148760, ClinGen allele CA2573136398.
Genomic context (GRCh38, chr3:101,319,662, plus strand): 5'-TCACATGATTTGCCACAGCCTCTGCAACACTTTCATCTGGGCAGATTTTCACTCCATTAG[G>GA]AAACAGAATAGATCTCCGCCTTCTGATTAACCACTGTCTTTCAGTTTCTCTGCGGTCCAG-3'